The following is an entry in ClinVar:

ClinVar aggregate classification (germline): Uncertain significance. Review status: criteria provided, multiple submitters, no conflicts (2 of 4 stars). 3 submissions from 3 submitters: Uncertain significance (3). Last evaluated 2025-09-07.

Conditions:
Inborn genetic diseases. Identifiers: MedGen C0950123, MeSH D030342.
Singleton-Merten syndrome 1 (SGMRT1). Also called: Widened medullary cavities of bone, aortic calcification, abnormal dentition, and muscular weakness; Syndrome of widened medullary cavities of the metacarpals and phalanges, aortic calcification and abnormal dentition. Identifiers: Orphanet 85191, MedGen C4225427, MONDO:0024535, OMIM 182250.
Aicardi-Goutieres syndrome 7 (AGS7). Identifiers: Orphanet 51, MedGen C3888244, MONDO:0014367, OMIM 615846.

Allele frequency attached by ClinVar (database versions not stated): gnomAD exomes 0.00001 and 0.00002; ExAC 0.00002; TOPMed 0.00002.

Submissions (3):

Labcorp Genetics (formerly Invitae), Labcorp
Classification: Uncertain significance for Aicardi-Goutieres syndrome 7; Singleton-Merten syndrome 1. Last evaluated: 2025-09-07. Review status: criteria provided, single submitter. Criteria: Invitae Variant Classification Sherloc (09022015). Collection method: clinical testing. Allele origin: germline.
Comment: This sequence change replaces glutamic acid, which is acidic and polar, with aspartic acid, which is acidic and polar, at codon 602 of the IFIH1 protein (p.Glu602Asp). This variant is present in population databases (rs763549486, gnomAD 0.002%). This variant has not been reported in the literature in individuals affected with IFIH1-related conditions. This missense change has been observed in at least one individual who was not affected with IFIH1-related conditions (internal data). ClinVar contains an entry for this variant (Variation ID: 665140). Invitae Evidence Modeling of protein sequence and biophysical properties (such as structural, functional, and spatial information, amino acid conservation, physicochemical variation, residue mobility, and thermodynamic stability) has been performed for this missense variant. However, the output from this modeling did not meet the statistical confidence thresholds required to predict the impact of this variant on IFIH1 protein function. In summary, the available evidence is currently insufficient to determine the role of this variant in disease. Therefore, it has been classified as a Variant of Uncertain Significance.

Ambry Genetics
Classification: Uncertain significance for Inborn genetic diseases. Last evaluated: 2025-02-22. Review status: criteria provided, single submitter. Criteria: Ambry Variant Classification Scheme 2023. Collection method: clinical testing. Allele origin: germline.

Centre for Mendelian Genomics, University Medical Centre Ljubljana
Classification: Uncertain significance for Singleton-Merten syndrome 1. Last evaluated: 2019-09-04. Review status: criteria provided, single submitter. Criteria: ACMG Guidelines, 2015. Collection method: clinical testing. Allele origin: unknown. Affected: yes.
Comment: This variant was classified as: Uncertain significance. The available evidence on this variant's pathogenicity is insufficient or conflicting. The following ACMG criteria were applied in classifying this variant: PM2.

NM_022168.4(IFIH1):c.1806A>T (p.Glu602Asp)

Gene: IFIH1 (interferon induced with helicase C domain 1; minus strand). Cytogenetic location: 2q24.2.
Variant type: single nucleotide variant.
Coding change: c.1806A>T on transcript NM_022168.4 (MANE Select); coding-DNA position 1806, A replaced by T.
Protein change: p.Glu602Asp; replaces glutamic acid 602 with aspartic acid.
Molecular consequence: missense variant.
Genome position (GRCh38, 1-based): chr2:162,277,653, T>A on the plus strand (A>T on the coding strand, the complement: IFIH1 is on the minus strand). VCF-style: chr2-162277653-T-A. GRCh37 (hg19) VCF-style: chr2-163134163-T-A.
Other names: c.1806A>T, p.Glu602Asp (LRG_1235t1); c.1806A>T (NM_022168.2); short protein forms E602D.
Identifiers: ClinVar variation 665140 (VCV000665140.14), dbSNP rs763549486, ClinGen allele CA1934381.
Genomic context (GRCh38, chr2:162,277,653, plus strand): 5'-CGCATCTATCATTCGAATTGTGTCATTAATTTGTAGGGCCTCATTGTACTTCCTCAAATG[T>A]TCTGCACAAACACGTTCTTTGCGATTTCCTTCTTTTGCAGCTGTGAAAAAATATATTATG-3'
Protein context (NP_071451.2, residues 592-612): EGNRKERVCA[Glu602Asp]HLRKYNEALQ